The following is an entry in ClinVar:

ClinVar aggregate classification (germline): Uncertain significance (1 of 4 stars; one submission).

Submission:

Labcorp Genetics (formerly Invitae), Labcorp
Classification: Uncertain significance. Last evaluated: 2024-03-16. Review status: criteria provided, single submitter. Criteria: Invitae Variant Classification Sherloc (09022015). Collection method: clinical testing. Allele origin: germline.
Comment: This sequence change replaces threonine, which is neutral and polar, with alanine, which is neutral and non-polar, at codon 1352 of the MYO7A protein (p.Thr1352Ala). This variant is not present in population databases (gnomAD no frequency). This variant has not been reported in the literature in individuals affected with MYO7A-related conditions. Advanced modeling of protein sequence and biophysical properties (such as structural, functional, and spatial information, amino acid conservation, physicochemical variation, residue mobility, and thermodynamic stability) performed at Invitae indicates that this missense variant is not expected to disrupt MYO7A protein function with a negative predictive value of 95%. In summary, the available evidence is currently insufficient to determine the role of this variant in disease. Therefore, it has been classified as a Variant of Uncertain Significance.

NM_000260.4(MYO7A):c.4054A>G (p.Thr1352Ala)

Gene: MYO7A (myosin VIIA; plus strand). Cytogenetic location: 11q13.5.
Variant type: single nucleotide variant.
Coding change: c.4054A>G on transcript NM_000260.4 (MANE Select); coding-DNA position 4054, A replaced by G.
Protein change: p.Thr1352Ala; replaces threonine 1352 with alanine.
Molecular consequence: missense variant.
Genome position (GRCh38, 1-based): chr11:77,192,180, A>G. VCF-style: chr11-77192180-A-G. GRCh37 (hg19) VCF-style: chr11-76903225-A-G.
Other names: c.4054A>G, p.Thr1352Ala (NM_001127180.2); c.4021A>G, p.Thr1341Ala (NM_001369365.1); short protein forms T1341A, T1352A.
Identifiers: ClinVar variation 3691179 (VCV003691179.2).